The following is an entry in ClinVar:

ClinVar aggregate classification (germline): Uncertain significance (1 of 4 stars; one submission).

Conditions:
Muscular dystrophy-dystroglycanopathy type B6 (MDDGB6). Also called: MUSCULAR DYSTROPHY, CONGENITAL, LARGE-RELATED; MUSCULAR DYSTROPHY, CONGENITAL, TYPE 1D; MUSCULAR DYSTROPHY-DYSTROGLYCANOPATHY (CONGENITAL WITH IMPAIRED INTELLECTUAL DEVELOPMENT), TYPE B, 6. Identifiers: MedGen C1837229, MONDO:0012138, OMIM 608840.

Allele frequency attached by ClinVar (database versions not stated): gnomAD 0.00001; ExAC 0.00002; gnomAD exomes 0.00002; TOPMed 0.00002; 1000 Genomes Project 30x 0.00016; 1000 Genomes Project 0.00020.
gnomAD v4.1: 21 of 1,614,142 alleles (0.0013%); highest among the groups gnomAD compares: Middle Eastern, 0.033%; no homozygotes.

Submission:

Labcorp Genetics (formerly Invitae), Labcorp
Classification: Uncertain significance for Muscular dystrophy-dystroglycanopathy type B6. Last evaluated: 2024-10-18. Review status: criteria provided, single submitter. Criteria: Invitae Variant Classification Sherloc (09022015). Collection method: clinical testing. Allele origin: germline.
Comment: This sequence change replaces valine, which is neutral and non-polar, with isoleucine, which is neutral and non-polar, at codon 629 of the LARGE1 protein (p.Val629Ile). This variant is present in population databases (rs547202997, gnomAD 0.009%). This variant has not been reported in the literature in individuals affected with LARGE1-related conditions. ClinVar contains an entry for this variant (Variation ID: 1376350). Invitae Evidence Modeling of protein sequence and biophysical properties (such as structural, functional, and spatial information, amino acid conservation, physicochemical variation, residue mobility, and thermodynamic stability) indicates that this missense variant is not expected to disrupt LARGE1 protein function with a negative predictive value of 80%. In summary, the available evidence is currently insufficient to determine the role of this variant in disease. Therefore, it has been classified as a Variant of Uncertain Significance.

NM_133642.5(LARGE1):c.1885G>A (p.Val629Ile)

Gene: LARGE1 (LARGE xylosyl- and glucuronyltransferase 1; minus strand). Cytogenetic location: 22q12.3.
Variant type: single nucleotide variant.
Coding change: c.1885G>A on transcript NM_133642.5 (MANE Select); coding-DNA position 1885, G replaced by A.
Protein change: p.Val629Ile; replaces valine 629 with isoleucine.
Molecular consequence: missense variant.
Genome position (GRCh38, 1-based): chr22:33,277,248, C>T on the plus strand (G>A on the coding strand, the complement: LARGE1 is on the minus strand). VCF-style: chr22-33277248-C-T. GRCh37 (hg19) VCF-style: chr22-33673234-C-T.
Other names: c.1885G>A, p.Val629Ile (NM_001362949.2, NM_001362951.2, NM_001362953.2 and 4 more transcripts); c.1738G>A, p.Val580Ile (NM_001378627.1, NM_001378628.1); c.1729G>A, p.Val577Ile (NM_001378629.1); c.1282G>A, p.Val428Ile (NM_001378630.1); c.979G>A, p.Val327Ile (NM_001378631.1); short protein forms V577I, V327I, V428I, V629I, V580I.
Identifiers: ClinVar variation 1376350 (VCV001376350.5), dbSNP rs547202997, ClinGen allele CA10202615.